The following is an entry in ClinVar:

NM_000122.2(ERCC3):c.307A>G (p.Ile103Val)

Gene: ERCC3 (ERCC excision repair 3, TFIIH core complex helicase subunit; minus strand). Cytogenetic location: 2q14.3.
Variant type: single nucleotide variant.
Coding change: c.307A>G on transcript NM_000122.2 (MANE Select); coding-DNA position 307, A replaced by G.
Protein change: p.Ile103Val; replaces isoleucine 103 with valine.
Molecular consequence: missense variant.
Genome position (GRCh38, 1-based): chr2:127,292,774, T>C on the plus strand (A>G on the coding strand, the complement: ERCC3 is on the minus strand). VCF-style: chr2-127292774-T-C. GRCh37 (hg19) VCF-style: chr2-128050350-T-C.
Other names: c.307A>G (NM_000122.1); c.115A>G, p.Ile39Val (NM_001303418.2, NM_001303416.2); short protein forms I103V, I39V.
Identifiers: ClinVar variation 134125 (VCV000134125.5), dbSNP rs587778278, ClinGen allele CA158842.

ClinVar aggregate classification (germline): Uncertain significance. Review status: criteria provided, multiple submitters, no conflicts (2 of 4 stars). 3 submissions from 3 submitters: Uncertain significance (2). 1 of the submissions does not count toward it. Last evaluated 2025-06-24.

Conditions:
ERCC3-related disorder. Also called: ERCC3-related condition.

Allele frequency attached by ClinVar (database versions not stated): gnomAD below 0.00001 and 0.00001; TOPMed 0.00001; ExAC 0.00002; gnomAD exomes 0.00002 and 0.00003.
gnomAD v4.1: 28 of 1,613,794 alleles (0.0017%); highest among the groups gnomAD compares: South Asian, 0.025%; no homozygotes.

Submissions (3):

PreventionGenetics, part of Exact Sciences
Classification: Uncertain significance for ERCC3-related condition. Last evaluated: 2025-06-24. Review status: criteria provided, single submitter. Criteria: ACMG Guidelines, 2015. Collection method: clinical testing. Allele origin: germline.
Comment: The ERCC3 c.307A>G variant is predicted to result in the amino acid substitution p.Ile103Val. To our knowledge, this variant has not been reported in the literature. This variant is reported in 0.016% of alleles in individuals of South Asian descent in gnomAD. This variant is classified as uncertain in ClinVar. At this time, the clinical significance of this variant is uncertain due to the absence of conclusive functional and genetic evidence.

Labcorp Genetics (formerly Invitae), Labcorp
Classification: Uncertain significance. Last evaluated: 2024-02-26. Review status: criteria provided, single submitter. Criteria: Invitae Variant Classification Sherloc (09022015). Collection method: clinical testing. Allele origin: germline.
Comment: This sequence change replaces isoleucine, which is neutral and non-polar, with valine, which is neutral and non-polar, at codon 103 of the ERCC3 protein (p.Ile103Val). This variant is present in population databases (rs587778278, gnomAD 0.02%). This variant has not been reported in the literature in individuals affected with ERCC3-related conditions. ClinVar contains an entry for this variant (Variation ID: 134125). Advanced modeling of protein sequence and biophysical properties (such as structural, functional, and spatial information, amino acid conservation, physicochemical variation, residue mobility, and thermodynamic stability) performed at Invitae indicates that this missense variant is not expected to disrupt ERCC3 protein function with a negative predictive value of 80%. In summary, the available evidence is currently insufficient to determine the role of this variant in disease. Therefore, it has been classified as a Variant of Uncertain Significance.

ITMI
No classification provided. Condition: AllHighlyPenetrant. Last evaluated: 2013-09-19. Review status: no classification provided. Collection method: reference population. Allele origin: germline. Not counted in ClinVar's aggregate classification.
Comment: Please see associated publication for description of ethnicities

Literature cited by the submitters: PubMed 24728327 (cited by ITMI).